The following is an entry in ClinVar:

ClinVar aggregate classification (germline): Conflicting classifications of pathogenicity. Review status: criteria provided, conflicting classifications (1 of 4 stars). 8 submissions from 8 submitters: Uncertain significance (4); Likely benign (3). 1 of the submissions does not count toward it. Last evaluated 2025-10-07.

Conditions:
Inborn genetic diseases. Identifiers: MedGen C0950123, MeSH D030342.
MYO15A-related disorder. Also called: MYO15A-related condition.
Autosomal recessive nonsyndromic hearing loss 3. Also called: NEUROSENSORY NONSYNDROMIC RECESSIVE DEAFNESS 3. Identifiers: Orphanet 90636, MedGen C1838263, MONDO:0010860, OMIM 600316.

Allele frequency attached by ClinVar (database versions not stated): ExAC 0.00010; gnomAD exomes 0.00012 and 0.00049; 1000 Genomes Project 30x 0.00078; 1000 Genomes Project 0.00080; TOPMed 0.00099; gnomAD 0.00104 and 0.00105.
gnomAD v4.1: 335 of 1,612,248 alleles (0.021%); highest among the groups gnomAD compares: Admixed American, 0.53%; 3 homozygotes.

Submissions (8):

Labcorp Genetics (formerly Invitae), Labcorp
Classification: Likely benign. Last evaluated: 2025-10-07. Review status: criteria provided, single submitter. Criteria: Invitae Variant Classification Sherloc (09022015). Collection method: clinical testing. Allele origin: germline.

Blueprint Genetics
Classification: Uncertain significance. Last evaluated: 2023-05-31. Review status: criteria provided, single submitter. Criteria: ACMG Guidelines, 2015. Collection method: clinical testing. Allele origin: germline.

Ambry Genetics
Classification: Uncertain significance for Inborn genetic diseases. Last evaluated: 2022-08-30. Review status: criteria provided, single submitter. Criteria: Ambry Variant Classification Scheme 2023. Collection method: clinical testing. Allele origin: germline.

GeneDx
Classification: Likely benign. Last evaluated: 2021-03-10. Review status: criteria provided, single submitter. Criteria: GeneDx Variant Classification Process June 2021. Collection method: clinical testing. Allele origin: germline. Affected: yes.

Baylor Genetics
Classification: Uncertain significance for Autosomal recessive nonsyndromic hearing loss 3. Last evaluated: 2019-07-16. Review status: criteria provided, single submitter. Criteria: ACMG Guidelines, 2015. Collection method: clinical testing. Allele origin: unknown. Affected: yes.
Comment: This variant was determined to be of uncertain significance according to ACMG Guidelines, 2015 [PMID:25741868].

Eurofins Ntd Llc (ga)
Classification: Uncertain significance. Last evaluated: 2018-09-12. Review status: criteria provided, single submitter. Criteria: EGL ClinVar v180209 classification definitions. Collection method: clinical testing. Allele origin: germline. Observed: 1 variant allele, 1 heterozygote.

Laboratory for Molecular Medicine, Mass General Brigham Personalized Medicine
Classification: Likely benign. Last evaluated: 2018-05-18. Review status: criteria provided, single submitter. Criteria: LMM Criteria. Collection method: clinical testing. Allele origin: germline. Observed: 1 variant allele.
Comment: p.Glu518Lys in exon 2 of MYO15A: This variant is classified as likely benign bec ause it has been identified in 0.33% (113/34384) of Latino chromosomes by the Ge nome Aggregation Database (gnomAD; dbSNP rs189 255177). ACMG/AMP criteria applied: BS1.

PreventionGenetics, part of Exact Sciences
Classification: Likely benign for MYO15A-related condition. Last evaluated: 2022-02-14. Review status: no assertion criteria provided. Collection method: clinical testing. Allele origin: germline. Not counted in ClinVar's aggregate classification.
Comment: This variant is classified as likely benign based on ACMG/AMP sequence variant interpretation guidelines (Richards et al. 2015 PMID: 25741868, with internal and published modifications).

NM_016239.4(MYO15A):c.1552G>A (p.Glu518Lys)

Gene: MYO15A (myosin XVA; plus strand). Cytogenetic location: 17p11.2.
Variant type: single nucleotide variant.
Coding change: c.1552G>A on transcript NM_016239.4 (MANE Select); coding-DNA position 1552, G replaced by A.
Protein change: p.Glu518Lys; replaces glutamic acid 518 with lysine.
Molecular consequence: missense variant.
Genome position (GRCh38, 1-based): chr17:18,120,352, G>A. VCF-style: chr17-18120352-G-A. GRCh37 (hg19) VCF-style: chr17-18023666-G-A.
Other names: short protein forms E518K.
Identifiers: ClinVar variation 598630 (VCV000598630.25), dbSNP rs189255177, ClinGen allele CA8423118.